The following is an entry in ClinVar:

NM_177550.5(SLC13A5):c.547+264T>C

Gene: SLC13A5 (solute carrier family 13 member 5; minus strand). Cytogenetic location: 17p13.1.
Variant type: single nucleotide variant.
Coding change: c.547+264T>C on transcript NM_177550.5 (MANE Select); 264 bases into the intron after coding-DNA position 547, T replaced by C.
Molecular consequence: intron variant.
Genome position (GRCh38, 1-based): chr17:6,703,614, A>G on the plus strand (T>C on the coding strand, the complement: SLC13A5 is on the minus strand). VCF-style: chr17-6703614-A-G. GRCh37 (hg19) VCF-style: chr17-6606933-A-G.
Other names: c.418+264T>C (NM_001284510.2); c.496+264T>C (NM_001284509.2); c.547+264T>C (NM_001143838.3).
Identifiers: ClinVar variation 668854 (VCV000668854.1), dbSNP rs218674, ClinGen allele CA16534437.

ClinVar aggregate classification (germline): Benign (1 of 4 stars; one submission).

Allele frequency attached by ClinVar (database versions not stated): gnomAD 0.24727 and 0.25394; TOPMed 0.26436; 1000 Genomes Project 30x 0.35337; 1000 Genomes Project 0.35843.
gnomAD v4.1: 38,548 of 152,146 alleles (25%); highest among the groups gnomAD compares: East Asian, 59%; 5,668 homozygotes.

Submission:

GeneDx
Classification: Benign. Last evaluated: 2018-06-18. Review status: criteria provided, single submitter. Criteria: GeneDx Variant Classification (06012015). Collection method: clinical testing. Allele origin: germline. Affected: yes.
Comment: This variant is considered likely benign or benign based on one or more of the following criteria: it is a conservative change, it occurs at a poorly conserved position in the protein, it is predicted to be benign by multiple in silico algorithms, and/or has population frequency not consistent with disease.